The following is an entry in ClinVar:

NM_022489.4(INF2):c.2433C>T (p.Ser811=)

Gene: INF2 (inverted formin 2; plus strand). Cytogenetic location: 14q32.33.
Variant type: single nucleotide variant.
Coding change: c.2433C>T on transcript NM_022489.4 (MANE Select); coding-DNA position 2433, C replaced by T.
Protein change: p.Ser811=; no amino-acid change (serine 811 retained).
Molecular consequence: synonymous variant.
Genome position (GRCh38, 1-based): chr14:104,711,643, C>T. VCF-style: chr14-104711643-C-T. GRCh37 (hg19) VCF-style: chr14-105177980-C-T.
Other names: c.2433C>T, p.Ser811= (NM_001031714.4).
Identifiers: ClinVar variation 390292 (VCV000390292.29), dbSNP rs140010249, ClinGen allele CA7372936.

ClinVar aggregate classification (germline): Benign/Likely benign. Review status: criteria provided, multiple submitters, no conflicts (2 of 4 stars). 5 submissions from 5 submitters: Benign (2); Likely benign (3). Last evaluated 2026-01-27.

Conditions:
Inborn genetic diseases. Identifiers: MedGen C0950123, MeSH D030342.
Charcot-Marie-Tooth disease dominant intermediate E. Also called: CHARCOT-MARIE-TOOTH NEUROPATHY WITH FOCAL SEGMENTAL GLOMERULONEPHRITIS. Identifiers: Orphanet 93114, MedGen C4302667, MONDO:0013758, OMIM 614455.
Focal segmental glomerulosclerosis 5 (FSGS5). Identifiers: Orphanet 656, MedGen C2750475, MONDO:0013191, OMIM 613237.

Allele frequency attached by ClinVar (database versions not stated): gnomAD exomes 0.00019 and 0.00050; ExAC 0.00070; gnomAD 0.00232 and 0.00248; TOPMed 0.00253; ESP Exome Variant Server 0.00264; 1000 Genomes Project 30x 0.00297; 1000 Genomes Project 0.00339.
gnomAD v4.1: 629 of 1,612,474 alleles (0.039%); highest among the groups gnomAD compares: African/African-American, 0.76%; 1 homozygote.

Submissions (5):

Labcorp Genetics (formerly Invitae), Labcorp
Classification: Benign for Charcot-Marie-Tooth disease dominant intermediate E; Focal segmental glomerulosclerosis 5. Last evaluated: 2026-01-27. Review status: criteria provided, single submitter. Criteria: Invitae Variant Classification Sherloc (09022015). Collection method: clinical testing. Allele origin: germline.

Blueprint Genetics
Classification: Likely benign. Last evaluated: 2024-11-27. Review status: criteria provided, single submitter. Criteria: ACMG Guidelines, 2015. Collection method: clinical testing. Allele origin: germline.

CeGaT Center for Human Genetics Tuebingen
Classification: Likely benign. Last evaluated: 2024-10-01. Review status: criteria provided, single submitter. Criteria: CeGaT Center For Human Genetics Tuebingen Variant Classification Criteria Version 2. Collection method: clinical testing. Allele origin: germline. Affected: yes. Observed: 1 variant allele.
Comment: INF2: BP4, BP7

Ambry Genetics
Classification: Likely benign for Inborn genetic diseases. Last evaluated: 2019-07-11. Review status: criteria provided, single submitter. Criteria: Ambry Variant Classification Scheme 2023. Collection method: clinical testing. Allele origin: germline.

GeneDx
Classification: Benign. Last evaluated: 2016-12-19. Review status: criteria provided, single submitter. Criteria: GeneDx Variant Classification (06012015). Collection method: clinical testing. Allele origin: germline. Affected: yes.
Comment: This variant is considered likely benign or benign based on one or more of the following criteria: it is a conservative change, it occurs at a poorly conserved position in the protein, it is predicted to be benign by multiple in silico algorithms, and/or has population frequency not consistent with disease.